The following is an entry in ClinVar:

NM_001171.6(ABCC6):c.2409G>C (p.Gln803His)

Gene: ABCC6 (ATP binding cassette subfamily C member 6; minus strand). Cytogenetic location: 16p13.11.
Variant type: single nucleotide variant.
Coding change: c.2409G>C on transcript NM_001171.6 (MANE Select); coding-DNA position 2409, G replaced by C.
Protein change: p.Gln803His; replaces glutamine 803 with histidine.
Molecular consequence: missense variant. On other transcripts: non-coding transcript variant (1).
Genome position (GRCh38, 1-based): chr16:16,178,804, C>G on the plus strand (G>C on the coding strand, the complement: ABCC6 is on the minus strand). VCF-style: chr16-16178804-C-G. GRCh37 (hg19) VCF-style: chr16-16272661-C-G.
Other names: c.2409G>C (NM_001171.5); c.2067G>C, p.Gln689His (NM_001351800.1); short protein forms Q689H, Q803H.
Identifiers: ClinVar variation 1434864 (VCV001434864.11), dbSNP rs116898670, ClinGen allele CA7925940.
Genomic context (GRCh38, chr16:16,178,804, plus strand): 5'-AAGTGCTTCCTCTGCCTTTGCCCTGTACTGTCTGACACATGTTCCCAAACTTACTGTTCC[C>G]TGGAGTAGTCCACCAGGCCCAATGACCTGGTTGAAGACATGCTGGCCAACGTGGGCATCC-3'
Protein context (NP_001162.5, residues 793-813): NQVIGPGGLL[Gln803His]GTTRILVTHA

ClinVar aggregate classification (germline): Conflicting classifications of pathogenicity. Review status: criteria provided, conflicting classifications (1 of 4 stars). 7 submissions from 7 submitters: Uncertain significance (6); Likely benign (1). Last evaluated 2025-06-13.

Conditions:
Inborn genetic diseases. Identifiers: MedGen C0950123, MeSH D030342.
ABCC6-related disorder. Also called: ABCC6-related condition.
Arterial calcification, generalized, of infancy, 2. Identifiers: Orphanet 51608, MedGen C3276161, MONDO:0013768, OMIM 614473.
Autosomal recessive inherited pseudoxanthoma elasticum (PXE). Identifiers: Orphanet 758, MedGen CN032334, MONDO:0009925, OMIM 264800.
Pseudoxanthoma elasticum, forme fruste. Also called: Pseudoxanthoma Elasticum, Incomplete; PSEUDOXANTHOMA ELASTICUM, HETEROZYGOUS. Identifiers: Orphanet 758, MedGen C1867450, MONDO:0008333, OMIM 177850.

Allele frequency attached by ClinVar (database versions not stated): gnomAD 0.00006; ESP Exome Variant Server 0.00008; 1000 Genomes Project 30x 0.00016; 1000 Genomes Project 0.00020; gnomAD exomes 0.00022 and 0.00004; ExAC 0.00002; TOPMed 0.00005.
gnomAD v4.1: 326 of 1,613,896 alleles (0.02%); highest among the groups gnomAD compares: Non-Finnish European, 0.027%; no homozygotes.

Submissions (7):

GeneDx
Classification: Uncertain significance. Last evaluated: 2025-06-13. Review status: criteria provided, single submitter. Criteria: GeneDx Variant Classification Process June 2021. Collection method: clinical testing. Allele origin: germline. Affected: yes.
Comment: In silico analysis supports that this missense variant has a deleterious effect on protein structure/function; Has not been previously published as pathogenic or benign to our knowledge

PreventionGenetics, part of Exact Sciences
Classification: Uncertain significance for ABCC6-related condition. Last evaluated: 2024-10-08. Review status: criteria provided, single submitter. Criteria: ACMG Guidelines, 2015. Collection method: clinical testing. Allele origin: germline.
Comment: The ABCC6 c.2409G>C variant is predicted to result in the amino acid substitution p.Gln803His. To our knowledge, this variant has not been reported in the literature. This variant is reported in 0.0088% of alleles in individuals of European (Non-Finnish) descent in gnomAD. At this time, the clinical significance of this variant is uncertain due to the absence of conclusive functional and genetic evidence.

Blueprint Genetics
Classification: Likely benign. Last evaluated: 2024-09-05. Review status: criteria provided, single submitter. Criteria: ACMG Guidelines, 2015. Collection method: clinical testing. Allele origin: germline.

Ambry Genetics
Classification: Uncertain significance for Inborn genetic diseases. Last evaluated: 2024-05-09. Review status: criteria provided, single submitter. Criteria: Ambry Variant Classification Scheme 2023. Collection method: clinical testing. Allele origin: germline.

Labcorp Genetics (formerly Invitae), Labcorp
Classification: Uncertain significance. Last evaluated: 2022-08-19. Review status: criteria provided, single submitter. Criteria: Invitae Variant Classification Sherloc (09022015). Collection method: clinical testing. Allele origin: germline.
Comment: This sequence change replaces glutamine, which is neutral and polar, with histidine, which is basic and polar, at codon 803 of the ABCC6 protein (p.Gln803His). This variant is present in population databases (rs116898670, gnomAD 0.009%). This variant has not been reported in the literature in individuals affected with ABCC6-related conditions. ClinVar contains an entry for this variant (Variation ID: 1434864). Advanced modeling of protein sequence and biophysical properties (such as structural, functional, and spatial information, amino acid conservation, physicochemical variation, residue mobility, and thermodynamic stability) performed at Invitae indicates that this missense variant is not expected to disrupt ABCC6 protein function. In summary, the available evidence is currently insufficient to determine the role of this variant in disease. Therefore, it has been classified as a Variant of Uncertain Significance.

Fulgent Genetics
Classification: Uncertain significance for Pseudoxanthoma elasticum, forme fruste; Autosomal recessive inherited pseudoxanthoma elasticum; Arterial calcification, generalized, of infancy, 2. Last evaluated: 2022-02-11. Review status: criteria provided, single submitter. Criteria: ACMG Guidelines, 2015. Collection method: clinical testing. Allele origin: unknown.

Breakthrough Genomics
Classification: Uncertain significance. Review status: criteria provided, single submitter. Criteria: ACMG Guidelines, 2015. Collection method: not provided. Allele origin: germline. Inheritance: Autosomal recessive inheritance. Affected: yes.